The following is an entry in ClinVar:

ClinVar aggregate classification (germline): Benign/Likely benign. Review status: criteria provided, multiple submitters, no conflicts (2 of 4 stars). 9 submissions from 9 submitters: Benign (7); Likely benign (2). Last evaluated 2026-02-04.

Conditions:
Hereditary cancer-predisposing syndrome. Also called: Tumor predisposition; Hereditary Cancer Syndrome; Neoplastic Syndromes, Hereditary; Hereditary neoplastic syndrome. Identifiers: Orphanet 140162, MedGen C0027672, MeSH D009386, MONDO:0015356.
Dyskeratosis congenita, autosomal dominant 6 (DKCA6). Identifiers: Orphanet 3322, MedGen C4225284, MONDO:0014690, OMIM 616553.

Allele frequency attached by ClinVar (database versions not stated): 1000 Genomes Project 30x 0.01733; 1000 Genomes Project 0.01857; TOPMed 0.03237; gnomAD 0.03535; ESP Exome Variant Server 0.03747.

Submissions (9):

Labcorp Genetics (formerly Invitae), Labcorp
Classification: Benign for Dyskeratosis congenita, autosomal dominant 6. Last evaluated: 2026-02-04. Review status: criteria provided, single submitter. Criteria: Invitae Variant Classification Sherloc (09022015). Collection method: clinical testing. Allele origin: germline.

ARUP Laboratories, Molecular Genetics and Genomics, ARUP Laboratories
Classification: Benign. Last evaluated: 2025-05-15. Review status: criteria provided, single submitter. Criteria: ARUP Molecular Germline Variant Investigation Process 2024. Collection method: clinical testing. Allele origin: germline.

Center for Genomic Medicine, Rigshospitalet, Copenhagen University Hospital
Classification: Benign. Last evaluated: 2025-03-04. Review status: criteria provided, single submitter. Criteria: ACMG Guidelines, 2015. Collection method: clinical testing. Allele origin: germline.

Blueprint Genetics
Classification: Likely benign. Last evaluated: 2024-11-27. Review status: criteria provided, single submitter. Criteria: ACMG Guidelines, 2015. Collection method: clinical testing. Allele origin: germline.

Hereditary Cancer Laboratory, Hospital Universitario 12 de Octubre
Classification: Likely benign for Hereditary cancer-predisposing syndrome. Last evaluated: 2024-09-09. Review status: criteria provided, single submitter. Criteria: ACMG Guidelines, 2015. Collection method: clinical testing. Allele origin: germline.
Comment: PM2+BP4+BP6+BP7

Mayo Clinic Laboratories, Mayo Clinic
Classification: Benign. Last evaluated: 2022-09-06. Review status: criteria provided, single submitter. Criteria: ACMG Guidelines, 2015. Collection method: clinical testing. Allele origin: germline. Observed: 34 variant alleles.

Genome-Nilou Lab
Classification: Benign for Dyskeratosis congenita, autosomal dominant 6. Last evaluated: 2021-12-05. Review status: criteria provided, single submitter. Criteria: ACMG Guidelines, 2015. Collection method: clinical testing. Allele origin: germline. Affected: no.

GeneDx
Classification: Benign. Last evaluated: 2019-06-14. Review status: criteria provided, single submitter. Criteria: GeneDx Variant Classification Process June 2021. Collection method: clinical testing. Allele origin: germline. Affected: yes.

Breakthrough Genomics
Classification: Benign. Review status: criteria provided, single submitter. Criteria: ACMG Guidelines, 2015. Collection method: not provided. Allele origin: germline. Inheritance: Autosomal dominant inheritance. Affected: yes.

NM_001082486.2(ACD):c.1371G>T (p.Pro457=)

Gene: ACD (ACD shelterin complex subunit and telomerase recruitment factor; minus strand). Cytogenetic location: 16q22.1.
Variant type: single nucleotide variant.
Coding change: c.1371G>T on transcript NM_001082486.2 (MANE Select); coding-DNA position 1371, G replaced by T.
Protein change: p.Pro457=; no amino-acid change (proline 457 retained).
Molecular consequence: synonymous variant.
Genome position (GRCh38, 1-based): chr16:67,657,612, C>A on the plus strand (G>T on the coding strand, the complement: ACD is on the minus strand). VCF-style: chr16-67657612-C-A. GRCh37 (hg19) VCF-style: chr16-67691515-C-A.
Other names: p.Pro457=; c.1371G>T, p.Pro457= (LRG_1237t1); c.1362G>T, p.Pro454= (NM_022914.3).
Identifiers: ClinVar variation 475766 (VCV000475766.25), dbSNP rs14920, ClinGen allele CA8114352.
Genomic context (GRCh38, chr16:67,657,612, plus strand): 5'-TTAAAAAACTCAAAGGAAGCAGAGTGTGGAGCGGTATCTGTCCTGCGTGACGTCTCACAT[C>A]GGAGTTGGCTCAGACCCTGGCTGTGCATCCATCAGAAAGTGCAAGGCCCAGGCCATGAGC-3'
Protein context (NP_001075955.2, residues 447-458): MDAQPGSEPT[Pro457=]M